The following is an entry in ClinVar:

ClinVar aggregate classification (germline): Uncertain significance (1 of 4 stars; one submission).

Conditions:
PCNT-related disorder. Also called: PCNT-related condition.

Submission:

PreventionGenetics, part of Exact Sciences
Classification: Uncertain significance for PCNT-related condition. Last evaluated: 2026-06-08. Review status: criteria provided, single submitter. Criteria: ACMG Guidelines, 2015. Collection method: clinical testing. Allele origin: germline.
Comment: The PCNT c.351T>G variant is predicted to result in the amino acid substitution p.Cys117Trp. To our knowledge, this variant has not been reported in the literature or in a large population database (gnomAD), indicating this variant is rare. At this time, the clinical significance of this variant is uncertain due to the absence of conclusive functional and genetic evidence.

NM_006031.6(PCNT):c.351T>G (p.Cys117Trp)

Gene: PCNT (pericentrin; plus strand). Cytogenetic location: 21q22.3.
Variant type: single nucleotide variant.
Coding change: c.351T>G on transcript NM_006031.6 (MANE Select); coding-DNA position 351, T replaced by G.
Protein change: p.Cys117Trp; replaces cysteine 117 with tryptophan.
Molecular consequence: missense variant. On other transcripts: 5 prime UTR variant (1).
Genome position (GRCh38, 1-based): chr21:46,334,480, T>G. VCF-style: chr21-46334480-T-G. GRCh37 (hg19) VCF-style: chr21-47754394-T-G.
Other names: c.-4T>G (NM_001315529.2); short protein forms C117W.
Identifiers: ClinVar variation 4992856 (VCV004992856.1).
Genomic context (GRCh38, chr21:46,334,480, plus strand): 5'-GAGAGAGGACTTGGAACAGCTGCAGCAGAAGCAAGTCAATGACCATCCTCCAGAGCAGTG[T>G]GGGATGTTCACAGTCAGTGACCACCCACCAGAACAGCATGGGATGTTCACAGTCGGTGAC-3'
Protein context (NP_006022.3, residues 107-127): KQVNDHPPEQ[Cys117Trp]GMFTVSDHPP